The following is an entry in ClinVar:

ClinVar aggregate classification (germline): Likely pathogenic. Review status: criteria provided, multiple submitters, no conflicts (2 of 4 stars). 4 submissions from 4 submitters: Likely pathogenic (3). 1 of the submissions does not count toward it. Last evaluated 2024-10-04.

Conditions:
Lysinuric protein intolerance (LPI). Identifiers: Orphanet 470, MedGen C0268647, MONDO:0009109, OMIM 222700.

Allele frequency attached by ClinVar (database versions not stated): TOPMed 0.00001.
gnomAD v4.1: 2 of 1,613,738 alleles (0.00012%); highest among the groups gnomAD compares: Non-Finnish European, 0.00017%; no homozygotes.

Submissions (4):

Revvity Omics, Revvity
Classification: Likely pathogenic for Lysinuric protein intolerance. Last evaluated: 2024-10-04. Review status: criteria provided, single submitter. Criteria: ACMG Guidelines, 2015. Collection method: clinical testing. Allele origin: germline.

Women's Health and Genetics/Laboratory Corporation of America, LabCorp
Classification: Likely pathogenic for Lysinuric protein intolerance. Last evaluated: 2022-03-31. Review status: criteria provided, single submitter. Criteria: LabCorp Variant Classification Summary - May 2015. Collection method: clinical testing. Allele origin: germline.
Comment: Variant summary: SLC7A7 c.149T>A (p.Met50Lys) results in a non-conservative amino acid change in the encoded protein sequence. Five of five in-silico tools predict a damaging effect of the variant on protein function. The variant was absent in 251180 control chromosomes (gnomAD). The variant, c.149T>A, has been reported in the literature in at least one patient affected with Lysinuric Protein Intolerance as a paternally inherited variant, where the variant in trans was not identified (Palacin_2001, Sperandeo_2005, Sperandeo_2008, Barilli_2010, Barilli_2012). Publications also reported experimental evidence evaluating an impact on protein function, and demonstrated that the variant abolished the transport activities (Sperandeo_2005), in addition, transport defects and other functional disturbances were also demonstrated in patient derived cells (Barilli_2010, Barilli_2012). One clinical diagnostic laboratory has submitted clinical-significance assessments for this variant to ClinVar after 2014 without evidence for independent evaluation, and classified the variant as likely pathogenic. Based on the evidence outlined above, the variant was classified as likely pathogenic.

Genomic Research Center, Shahid Beheshti University of Medical Sciences
Classification: Likely pathogenic for Lysinuric protein intolerance. Last evaluated: 2020-05-03. Review status: criteria provided, single submitter. Criteria: ACMG Guidelines, 2015. Collection method: clinical testing. Allele origin: unknown.

Juha Muilu Group; Institute for Molecular Medicine Finland (FIMM)
Classification: Likely pathogenic for Lysinuric protein intolerance. Review status: no assertion criteria provided. Collection method: not provided. Allele origin: unknown. Not counted in ClinVar's aggregate classification.
Comment: FinDis database variant: This variant was not found or characterized by our laboratory, data were collected from public sources: see reference
ClinVar note: Converted during submission from probable-pathogenic to Likely pathogenic.

Literature cited by the submitters: PubMed 32249831 (cited by Women's Health and Genetics/Laboratory Corporation of America, LabCorp); PubMed 17764084 (cited by Women's Health and Genetics/Laboratory Corporation of America, LabCorp); PubMed 22325938 (cited by Women's Health and Genetics/Laboratory Corporation of America, LabCorp); PubMed 21110863 (cited by Women's Health and Genetics/Laboratory Corporation of America, LabCorp); PubMed 31211457 (cited by Women's Health and Genetics/Laboratory Corporation of America, LabCorp); PubMed 11377971 (cited by Women's Health and Genetics/Laboratory Corporation of America, LabCorp); PubMed 30832686 (cited by Women's Health and Genetics/Laboratory Corporation of America, LabCorp); PubMed 15776427 (cited by Women's Health and Genetics/Laboratory Corporation of America, LabCorp).

NM_003982.4(SLC7A7):c.149T>A (p.Met50Lys)

Gene: SLC7A7 (solute carrier family 7 member 7; minus strand). Cytogenetic location: 14q11.2.
Variant type: single nucleotide variant.
Coding change: c.149T>A on transcript NM_003982.4 (MANE Select); coding-DNA position 149, T replaced by A.
Protein change: p.Met50Lys; replaces methionine 50 with lysine.
Molecular consequence: missense variant.
Genome position (GRCh38, 1-based): chr14:22,813,250, A>T on the plus strand (T>A on the coding strand, the complement: SLC7A7 is on the minus strand). VCF-style: chr14-22813250-A-T. GRCh37 (hg19) VCF-style: chr14-23282459-A-T.
Other names: c.149T>A, p.Met50Lys (NM_001126105.3, NM_001126106.4); short protein forms M50K.
Identifiers: ClinVar variation 56363 (VCV000056363.7), dbSNP rs386833811, ClinGen allele CA263805.